The following is an entry in ClinVar:

ClinVar aggregate classification (germline): Benign/Likely benign. Review status: criteria provided, multiple submitters, no conflicts (2 of 4 stars). 5 submissions from 5 submitters: Benign (1); Likely benign (4). Last evaluated 2026-04-01.

Conditions:
DYRK1A-related intellectual disability syndrome (MRD7). Also called: DYRK1A Syndrome; Intellectual developmental disorder, autosomal dominant 7. Identifiers: Orphanet 464306, MedGen C5568143, MONDO:0013578, OMIM 614104.
Inborn genetic diseases. Identifiers: MedGen C0950123, MeSH D030342.

Allele frequency attached by ClinVar (database versions not stated): gnomAD 0.00040 and 0.00041; TOPMed 0.00043; gnomAD exomes 0.00044 and 0.00050; ESP Exome Variant Server 0.00046; ExAC 0.00049.
gnomAD v4.1: 781 of 1,613,992 alleles (0.048%); highest among the groups gnomAD compares: Non-Finnish European, 0.061%; no homozygotes.

Submissions (5):

CeGaT Center for Human Genetics Tuebingen
Classification: Likely benign. Last evaluated: 2026-04-01. Review status: criteria provided, single submitter. Criteria: CeGaT Center For Human Genetics Tuebingen Variant Classification Criteria Version 2. Collection method: clinical testing. Allele origin: germline. Affected: yes. Observed: 7 variant alleles.
Comment: DYRK1A: BP4, BP7

Labcorp Genetics (formerly Invitae), Labcorp
Classification: Likely benign for DYRK1A-related intellectual disability syndrome. Last evaluated: 2026-02-03. Review status: criteria provided, single submitter. Criteria: Invitae Variant Classification Sherloc (09022015). Collection method: clinical testing. Allele origin: germline.

Blueprint Genetics
Classification: Likely benign. Last evaluated: 2024-09-10. Review status: criteria provided, single submitter. Criteria: ACMG Guidelines, 2015. Collection method: clinical testing. Allele origin: germline.

GeneDx
Classification: Benign. Last evaluated: 2019-08-07. Review status: criteria provided, single submitter. Criteria: GeneDx Variant Classification Process June 2021. Collection method: clinical testing. Allele origin: germline. Affected: yes.

Ambry Genetics
Classification: Likely benign for Inborn genetic diseases. Last evaluated: 2017-01-17. Review status: criteria provided, single submitter. Criteria: Ambry Variant Classification Scheme 2023. Collection method: clinical testing. Allele origin: germline.

NM_001347721.2(DYRK1A):c.234C>T (p.Asp78=)

Gene: DYRK1A (dual specificity tyrosine phosphorylation regulated kinase 1A; plus strand). Cytogenetic location: 21q22.13.
Variant type: single nucleotide variant.
Coding change: c.234C>T on transcript NM_001347721.2 (MANE Select); coding-DNA position 234, C replaced by T.
Protein change: p.Asp78=; no amino-acid change (aspartic acid 78 retained).
Molecular consequence: synonymous variant.
Genome position (GRCh38, 1-based): chr21:37,478,234, C>T. VCF-style: chr21-37478234-C-T. GRCh37 (hg19) VCF-style: chr21-38850536-C-T.
Other names: c.234C>T, p.Asp78= (NM_001347722.2, NM_130436.2); c.147C>T, p.Asp49= (NM_001347723.2); c.261C>T, p.Asp87= (NM_001396.5, NM_101395.2, NM_130438.2).
Identifiers: ClinVar variation 382661 (VCV000382661.43), dbSNP rs1049764, ClinGen allele CA10023757.